The following is an entry in ClinVar:

NM_004990.4(MARS1):c.496C>G (p.Leu166Val)

Gene: MARS1 (methionyl-tRNA synthetase 1; plus strand). Cytogenetic location: 12q13.3.
Variant type: single nucleotide variant.
Coding change: c.496C>G on transcript NM_004990.4 (MANE Select); coding-DNA position 496, C replaced by G.
Protein change: p.Leu166Val; replaces leucine 166 with valine.
Molecular consequence: missense variant.
Genome position (GRCh38, 1-based): chr12:57,490,212, C>G. VCF-style: chr12-57490212-C-G. GRCh37 (hg19) VCF-style: chr12-57883995-C-G.
Other names: short protein forms L166V.
Identifiers: ClinVar variation 3748521 (VCV003748521.2).

ClinVar aggregate classification (germline): Uncertain significance (1 of 4 stars; one submission).

Conditions:
Charcot-Marie-Tooth disease axonal type 2U. Also called: CHARCOT-MARIE-TOOTH NEUROPATHY, TYPE 2U; CHARCOT-MARIE-TOOTH DISEASE, AXONAL, AUTOSOMAL DOMINANT, TYPE 2U. Identifiers: Orphanet 397735, MedGen C4084821, MONDO:0014566, OMIM 616280.
Severe early-onset pulmonary alveolar proteinosis due to MARS deficiency. Also called: PULMONARY ALVEOLAR PROTEINOSIS, REUNION ISLAND; Interstitial lung and liver disease. Identifiers: Orphanet 440427, MedGen C4225400, MONDO:0014206, OMIM 615486.

gnomAD v4.1: 4 of 1,612,386 alleles (0.00025%); highest among the groups gnomAD compares: Non-Finnish European, 0.00034%; no homozygotes.

Submission:

Labcorp Genetics (formerly Invitae), Labcorp
Classification: Uncertain significance for Charcot-Marie-Tooth disease axonal type 2U; Severe early-onset pulmonary alveolar proteinosis due to MARS deficiency. Last evaluated: 2025-01-07. Review status: criteria provided, single submitter. Criteria: Invitae Variant Classification Sherloc (09022015). Collection method: clinical testing. Allele origin: germline.
Comment: This sequence change replaces leucine, which is neutral and non-polar, with valine, which is neutral and non-polar, at codon 166 of the MARS protein (p.Leu166Val). This variant is present in population databases (rs760702485, gnomAD 0.0009%). This variant has not been reported in the literature in individuals affected with MARS-related conditions. An algorithm developed to predict the effect of missense changes on protein structure and function (PolyPhen-2) suggests that this variant is likely to be tolerated. In summary, the available evidence is currently insufficient to determine the role of this variant in disease. Therefore, it has been classified as a Variant of Uncertain Significance.